The following is an entry in ClinVar:

NM_199420.4(POLQ):c.5195A>G (p.Asn1732Ser)

Gene: POLQ (DNA polymerase theta; minus strand). Cytogenetic location: 3q13.33.
Variant type: single nucleotide variant.
Coding change: c.5195A>G on transcript NM_199420.4 (MANE Select); coding-DNA position 5195, A replaced by G.
Protein change: p.Asn1732Ser; replaces asparagine 1732 with serine.
Molecular consequence: missense variant.
Genome position (GRCh38, 1-based): chr3:121,487,736, T>C on the plus strand (A>G on the coding strand, the complement: POLQ is on the minus strand). VCF-style: chr3-121487736-T-C. GRCh37 (hg19) VCF-style: chr3-121206583-T-C.
Other names: short protein forms N1732S.
Identifiers: ClinVar variation 3230044 (VCV003230044.1), dbSNP rs2546785010, ClinGen allele CA354090938.

ClinVar aggregate classification (germline): Uncertain significance (1 of 4 stars; one submission).

Allele frequency attached by ClinVar (database versions not stated): gnomAD exomes below 0.00001.
gnomAD v4.1: 1 of 1,613,622 alleles (0.000062%); no homozygotes.

Submission:

Ambry Genetics
Classification: Uncertain significance. Last evaluated: 2023-09-20. Review status: criteria provided, single submitter. Criteria: Ambry Variant Classification Scheme 2023. Collection method: clinical testing. Allele origin: germline.
Comment: The p.N1732S variant (also known as c.5195A>G), located in coding exon 16 of the POLQ gene, results from an A to G substitution at nucleotide position 5195. The asparagine at codon 1732 is replaced by serine, an amino acid with highly similar properties. This amino acid position is conserved. In addition, this alteration is predicted to be tolerated by in silico analysis. Since supporting evidence is limited at this time, the clinical significance of this alteration remains unclear.